The following is an entry in ClinVar:

NM_007272.3(CTRC):c.560C>G (p.Ser187Cys)

Gene: CTRC (chymotrypsin C; plus strand). Cytogenetic location: 1p36.21.
Variant type: single nucleotide variant.
Coding change: c.560C>G on transcript NM_007272.3 (MANE Select); coding-DNA position 560, C replaced by G.
Protein change: p.Ser187Cys; replaces serine 187 with cysteine.
Molecular consequence: missense variant.
Genome position (GRCh38, 1-based): chr1:15,444,672, C>G. VCF-style: chr1-15444672-C-G. GRCh37 (hg19) VCF-style: chr1-15771167-C-G.
Other names: short protein forms S187C.
Identifiers: ClinVar variation 857868 (VCV000857868.11), dbSNP rs1355039968, ClinGen allele CA338567173.

ClinVar aggregate classification (germline): Uncertain significance. Review status: criteria provided, multiple submitters, no conflicts (2 of 4 stars). 2 submissions from 2 submitters: Uncertain significance (2). Last evaluated 2024-01-25.

Conditions:
Hereditary pancreatitis (PCTT). Also called: PRSS1-Related Hereditary Pancreatitis; Hereditary chronic pancreatitis. Identifiers: Orphanet 676, MedGen C0238339, MONDO:0008185, OMIM 167800.

Allele frequency attached by ClinVar (database versions not stated): TOPMed 0.00001.
gnomAD v4.1: 8 of 1,614,180 alleles (0.0005%); highest among the groups gnomAD compares: Non-Finnish European, 0.00059%; no homozygotes.

Submissions (2):

Ambry Genetics
Classification: Uncertain significance for Hereditary pancreatitis. Last evaluated: 2024-01-25. Review status: criteria provided, single submitter. Criteria: Ambry Variant Classification Scheme 2023. Collection method: clinical testing. Allele origin: germline.
Comment: The p.S187C variant (also known as c.560C>G), located in coding exon 6 of the CTRC gene, results from a C to G substitution at nucleotide position 560. The serine at codon 187 is replaced by cysteine, an amino acid with dissimilar properties. This amino acid position is not well conserved in available vertebrate species. In addition, the in silico prediction for this alteration is inconclusive. Since supporting evidence is limited at this time, the clinical significance of this alteration remains unclear.

Labcorp Genetics (formerly Invitae), Labcorp
Classification: Uncertain significance for Hereditary pancreatitis. Last evaluated: 2019-08-23. Review status: criteria provided, single submitter. Criteria: Invitae Variant Classification Sherloc (09022015). Collection method: clinical testing. Allele origin: germline.
Comment: This sequence change replaces serine with cysteine at codon 187 of the CTRC protein (p.Ser187Cys). The serine residue is moderately conserved and there is a moderate physicochemical difference between serine and cysteine. In summary, the available evidence is currently insufficient to determine the role of this variant in disease. Therefore, it has been classified as a Variant of Uncertain Significance. Algorithms developed to predict the effect of missense changes on protein structure and function (SIFT, PolyPhen-2, Align-GVGD) all suggest that this variant is likely to be disruptive, but these predictions have not been confirmed by published functional studies and their clinical significance is uncertain. This variant has not been reported in the literature in individuals with CTRC-related conditions. This variant is not present in population databases (ExAC no frequency).